The following is an entry in ClinVar:

NM_024426.6(WT1):c.145G>A (p.Gly49Ser)

Genes: WT1 (WT1 transcription factor; minus strand), LOC107982234 (WT1/WT1-AS bi-directional promoter region; plus strand). Cytogenetic location: 11p13.
Variant type: single nucleotide variant.
Coding change: c.145G>A on transcript NM_024426.6 (MANE Select); coding-DNA position 145, G replaced by A.
Protein change: p.Gly49Ser; replaces glycine 49 with serine.
Molecular consequence: missense variant. On other transcripts: non-coding transcript variant (2).
Genome position (GRCh38, 1-based): chr11:32,435,216, C>T on the plus strand (G>A on the coding strand, the complement: WT1 is on the minus strand). VCF-style: chr11-32435216-C-T. GRCh37 (hg19) VCF-style: chr11-32456762-C-T.
Other names: c.145G>A, p.Gly49Ser (NM_000378.6, NM_001407044.1, NM_001407045.1 and 6 more transcripts); c.-75G>A (NM_001429031.1, NM_001429032.1, NM_001429033.1 and 1 more transcripts); c.130G>A, p.Gly44Ser (NM_024425.2); short protein forms G44S, G49S.
Identifiers: ClinVar variation 3069615 (VCV003069615.1), dbSNP rs1853474626, ClinGen allele CA379966289.

ClinVar aggregate classification (germline): Uncertain significance (1 of 4 stars; one submission).

Conditions:
Wilms tumor 1 (WT1). Also called: Wilms tumor, somatic. Identifiers: Orphanet 654, MedGen CN033288, MONDO:0008679, OMIM 194070.

Submission:

All of Us Research Program, National Institutes of Health
Classification: Uncertain significance for Wilms tumor 1. Last evaluated: 2023-08-15. Review status: criteria provided, single submitter. Criteria: ACMG Guidelines, 2015. Collection method: clinical testing. Allele origin: germline. Inheritance: Autosomal dominant inheritance. Observed: 2 variant alleles, 2 heterozygotes.
Comment: This missense variant replaces glycine with serine at codon 44 in the WT1 protein. Computational prediction suggests that this variant may not impact protein structure and function (internally defined REVEL score threshold <= 0.5, PMID: 27666373). To our knowledge, functional studies have not been reported for this variant. This variant has not been reported in individuals affected with WT1-related disorders in the literature. This variant has not been identified in the general population by the Genome Aggregation Database (gnomAD). The available evidence is insufficient to determine the role of this variant in disease conclusively. Therefore, this variant is classified as a Variant of Uncertain Significance.

This study involves interpretation of variants in research participants for the purpose of population health screening. Participant phenotype was not available at the time of variant classification. Additional details can be found in publication PMID: 35346344, PMCID: PMC8962531